The following is an entry in ClinVar:

ClinVar aggregate classification (germline): Uncertain significance (1 of 4 stars; one submission).

gnomAD v4.1: 4 of 1,611,830 alleles (0.00025%); highest among the groups gnomAD compares: Non-Finnish European, 0.00034%; no homozygotes.

Submission:

Dasa
Classification: Uncertain significance. Last evaluated: 2025-07-07. Review status: criteria provided, single submitter. Criteria: DASA Assertion Criteria. Collection method: clinical testing. Allele origin: germline.
Comment: NM_182641.4(BPTF):c.1680A>G (p.Ile560Met) is a missense variant that results in the substitution of isoleucine with methionine. This variant is rare in population databases. Computational prediction algorithms are consistent with a benign effect. The currently available literature and clinical evidence are not sufficient to establish a definitive association between this variant and the reported condition. Therefore, this variant is classified as a variant of uncertain significance.

NM_182641.4(BPTF):c.1680A>G (p.Ile560Met)

Gene: BPTF (bromodomain PHD finger transcription factor; plus strand). Cytogenetic location: 17q24.2.
Variant type: single nucleotide variant.
Coding change: c.1680A>G on transcript NM_182641.4 (MANE Select); coding-DNA position 1680, A replaced by G.
Protein change: p.Ile560Met; replaces isoleucine 560 with methionine.
Molecular consequence: missense variant.
Genome position (GRCh38, 1-based): chr17:67,874,836, A>G. VCF-style: chr17-67874836-A-G. GRCh37 (hg19) VCF-style: chr17-65870952-A-G.
Other names: c.1680A>G, p.Ile560Met (NM_001439139.1, NM_001439140.1, NM_001439141.1 and 4 more transcripts); short protein forms I560M.
Identifiers: ClinVar variation 4885984 (VCV004885984.2).